The following is an entry in ClinVar:

NM_003482.4(KMT2D):c.10730A>G (p.Gln3577Arg)

Gene: KMT2D (lysine methyltransferase 2D; minus strand). Cytogenetic location: 12q13.12.
Variant type: single nucleotide variant.
Coding change: c.10730A>G on transcript NM_003482.4 (MANE Select); coding-DNA position 10730, A replaced by G.
Protein change: p.Gln3577Arg; replaces glutamine 3577 with arginine.
Molecular consequence: missense variant.
Genome position (GRCh38, 1-based): chr12:49,034,077, T>C on the plus strand (A>G on the coding strand, the complement: KMT2D is on the minus strand). VCF-style: chr12-49034077-T-C. GRCh37 (hg19) VCF-style: chr12-49427860-T-C.
Other names: short protein forms Q3577R.
Identifiers: ClinVar variation 1353730 (VCV001353730.9), dbSNP rs1943094357, ClinGen allele CA384726937.

ClinVar aggregate classification (germline): Uncertain significance. Review status: criteria provided, multiple submitters, no conflicts (2 of 4 stars). 2 submissions from 2 submitters: Uncertain significance (2). Last evaluated 2024-05-13.

Conditions:
Choanal atresia-athelia-hypothyroidism-delayed puberty-short stature syndrome (BCAHH). Also called: BRANCHIAL ARCH ABNORMALITIES, CHOANAL ATRESIA, ATHELIA, HEARING LOSS, AND HYPOTHYROIDISM SYNDROME. Identifiers: Orphanet 589856, MedGen C5680310, MONDO:0035651, OMIM 620186.
Kabuki syndrome 1 (KABUK1). Also called: KMT2D-Related Kabuki Syndrome. Identifiers: Orphanet 2322, MedGen CN030661, MONDO:0007843, OMIM 147920.
Kabuki syndrome. Also called: NIIKAWA-KUROKI SYNDROME; Kabuki make-up syndrome. Identifiers: Orphanet 2322, MedGen C0796004, MONDO:0016512.

Allele frequency attached by ClinVar (database versions not stated): gnomAD exomes below 0.00001; TOPMed below 0.00001; gnomAD 0.00001.
gnomAD v4.1: 2 of 1,612,108 alleles (0.00012%); highest among the groups gnomAD compares: Non-Finnish European, 0.00017%; no homozygotes.

Submissions (2):

Fulgent Genetics
Classification: Uncertain significance for Kabuki syndrome 1; Choanal atresia-athelia-hypothyroidism-delayed puberty-short stature syndrome. Last evaluated: 2024-05-13. Review status: criteria provided, single submitter. Criteria: ACMG Guidelines, 2015. Collection method: clinical testing. Allele origin: germline.

Labcorp Genetics (formerly Invitae), Labcorp
Classification: Uncertain significance for Kabuki syndrome. Last evaluated: 2024-01-20. Review status: criteria provided, single submitter. Criteria: Invitae Variant Classification Sherloc (09022015). Collection method: clinical testing. Allele origin: germline.
Comment: This sequence change replaces glutamine, which is neutral and polar, with arginine, which is basic and polar, at codon 3577 of the KMT2D protein (p.Gln3577Arg). This variant is not present in population databases (gnomAD no frequency). This variant has not been reported in the literature in individuals affected with KMT2D-related conditions. ClinVar contains an entry for this variant (Variation ID: 1353730). Advanced modeling of protein sequence and biophysical properties (such as structural, functional, and spatial information, amino acid conservation, physicochemical variation, residue mobility, and thermodynamic stability) performed at Invitae indicates that this missense variant is not expected to disrupt KMT2D protein function with a negative predictive value of 95%. In summary, the available evidence is currently insufficient to determine the role of this variant in disease. Therefore, it has been classified as a Variant of Uncertain Significance.